The following is an entry in ClinVar:

ClinVar aggregate classification (germline): Likely benign. Review status: criteria provided, multiple submitters, no conflicts (2 of 4 stars). 5 submissions from 5 submitters: Likely benign (5). Last evaluated 2026-07-21.

Conditions:
Autosomal recessive limb-girdle muscular dystrophy type 2J (LGMDR10). Also called: Limb-girdle muscular dystrophy, type 2J; MUSCULAR DYSTROPHY, LIMB-GIRDLE, AUTOSOMAL RECESSIVE 10. Identifiers: Orphanet 140922, MedGen C1837342, MONDO:0012127, OMIM 608807.
Dilated cardiomyopathy 1G (CMD1G). Identifiers: Orphanet 154, MedGen C1858763, MONDO:0011400, OMIM 604145.
TTN-related disorder. Also called: TTN-related condition; TTN-related disease; TTN-related disorders.

Allele frequency attached by ClinVar (database versions not stated): gnomAD 0.00004; TOPMed 0.00004; ExAC 0.00005; gnomAD exomes 0.00006.
gnomAD v4.1: 96 of 1,567,944 alleles (0.0061%); highest among the groups gnomAD compares: Non-Finnish European, 0.0078%; no homozygotes.

Submissions (5):

PreventionGenetics, part of Exact Sciences
Classification: Likely benign for TTN-related condition. Last evaluated: 2026-07-21. Review status: criteria provided, single submitter. Criteria: ACMG Guidelines, 2015. Collection method: clinical testing. Allele origin: germline.
Comment: This variant is classified as likely benign based on ACMG/AMP sequence variant interpretation guidelines (Richards et al. 2015 PMID: 25741868, with internal and published modifications).

Labcorp Genetics (formerly Invitae), Labcorp
Classification: Likely benign for Dilated cardiomyopathy 1G; Autosomal recessive limb-girdle muscular dystrophy type 2J. Last evaluated: 2026-02-01. Review status: criteria provided, single submitter. Criteria: Invitae Variant Classification Sherloc (09022015). Collection method: clinical testing. Allele origin: germline.

Molecular Diagnostic Laboratory for Inherited Cardiovascular Disease, Montreal Heart Institute
Classification: Likely benign. Last evaluated: 2025-04-09. Review status: criteria provided, single submitter. Criteria: ACMG Guidelines, 2015. Collection method: clinical testing. Allele origin: germline. Affected: no.

Blueprint Genetics
Classification: Likely benign. Last evaluated: 2024-04-05. Review status: criteria provided, single submitter. Criteria: ACMG Guidelines, 2015. Collection method: clinical testing. Allele origin: germline.

GeneDx
Classification: Likely benign. Last evaluated: 2018-04-12. Review status: criteria provided, single submitter. Criteria: GeneDx Variant Classification (06012015). Collection method: clinical testing. Allele origin: germline. Affected: yes.
Comment: This variant is considered likely benign or benign based on one or more of the following criteria: it is a conservative change, it occurs at a poorly conserved position in the protein, it is predicted to be benign by multiple in silico algorithms, and/or has population frequency not consistent with disease.

NC_000002.12:g.178673625T>C

Gene: TTN (titin; minus strand). Cytogenetic location: 2q31.2.
Variant type: single nucleotide variant.
Molecular consequence: intron variant (on NM_001267550.2).
Genome position: GRCh38 VCF-style: chr2-178673625-T-C. GRCh37 (hg19) VCF-style: chr2-179538352-T-C.
Other names: c.34786+8A>G (NM_001267550.2); c.13283-31308A>G (NM_003319.4); c.13859-31308A>G (NM_133437.4); c.13658-31308A>G (NM_133432.3); c.30883+8A>G (NM_133378.4); c.33664+8A>G (NM_001256850.1).
Identifiers: ClinVar variation 467044 (VCV000467044.15), dbSNP rs775606653, ClinGen allele CA1997984.